The following is an entry in ClinVar:

ClinVar aggregate classification (germline): Uncertain significance (1 of 4 stars; one submission).

Conditions:
Marfan syndrome (MFS). Also called: Marfan syndrome type 1; Marfan's syndrome; FBN1-Related Marfan Syndrome; MARFAN SYNDROME, TYPE I; Marfan syndrome, classic. Identifiers: Orphanet 284963, Orphanet 558, MedGen C0024796, MONDO:0007947, OMIM 154700.
Familial thoracic aortic aneurysm and aortic dissection (TAAD). Also called: Thoracic aortic aneurysms and dissections. Identifiers: Orphanet 91387, MedGen C4707243, MONDO:0019625.

Submission:

Labcorp Genetics (formerly Invitae), Labcorp
Classification: Uncertain significance for Marfan syndrome; Familial thoracic aortic aneurysm and aortic dissection. Last evaluated: 2021-11-17. Review status: criteria provided, single submitter. Criteria: Invitae Variant Classification Sherloc (09022015). Collection method: clinical testing. Allele origin: germline.
Comment: In summary, the available evidence is currently insufficient to determine the role of this variant in disease. Therefore, it has been classified as a Variant of Uncertain Significance. Advanced modeling of protein sequence and biophysical properties (such as structural, functional, and spatial information, amino acid conservation, physicochemical variation, residue mobility, and thermodynamic stability) performed at Invitae indicates that this missense variant is expected to disrupt FBN1 protein function. This variant has not been reported in the literature in individuals affected with FBN1-related conditions. This variant is not present in population databases (gnomAD no frequency). This sequence change replaces cysteine, which is neutral and slightly polar, with serine, which is neutral and polar, at codon 2715 of the FBN1 protein (p.Cys2715Ser).

NM_000138.5(FBN1):c.8144G>C (p.Cys2715Ser)

Gene: FBN1 (fibrillin 1; minus strand). Cytogenetic location: 15q21.1.
Variant type: single nucleotide variant.
Coding change: c.8144G>C on transcript NM_000138.5 (MANE Select); coding-DNA position 8144, G replaced by C.
Protein change: p.Cys2715Ser; replaces cysteine 2715 with serine.
Molecular consequence: missense variant.
Genome position (GRCh38, 1-based): chr15:48,412,651, C>G on the plus strand (G>C on the coding strand, the complement: FBN1 is on the minus strand). VCF-style: chr15-48412651-C-G. GRCh37 (hg19) VCF-style: chr15-48704848-C-G.
Other names: short protein forms C2715S.
Identifiers: ClinVar variation 1393726 (VCV001393726.6), dbSNP rs1597507716, ClinGen allele CA392321161.